The following is an entry in ClinVar:

ClinVar aggregate classification (germline): Uncertain significance (1 of 4 stars; one submission).

Submission:

Labcorp Genetics (formerly Invitae), Labcorp
Classification: Uncertain significance. Last evaluated: 2025-10-06. Review status: criteria provided, single submitter. Criteria: Invitae Variant Classification Sherloc (09022015). Collection method: clinical testing. Allele origin: germline.
Comment: This sequence change replaces glycine, which is neutral and non-polar, with aspartic acid, which is acidic and polar, at codon 783 of the BCL11B protein (p.Gly783Asp). This variant is not present in population databases (gnomAD no frequency). This variant has not been reported in the literature in individuals affected with BCL11B-related conditions. Invitae Evidence Modeling of protein sequence and biophysical properties (such as structural, functional, and spatial information, amino acid conservation, physicochemical variation, residue mobility, and thermodynamic stability) has been performed for this missense variant. However, the output from this modeling did not meet the statistical confidence thresholds required to predict the impact of this variant on BCL11B protein function. In summary, the available evidence is currently insufficient to determine the role of this variant in disease. Therefore, it has been classified as a Variant of Uncertain Significance.

NM_138576.4(BCL11B):c.2348G>A (p.Gly783Asp)

Gene: BCL11B (BCL11 transcription factor B; minus strand). Cytogenetic location: 14q32.2.
Variant type: single nucleotide variant.
Coding change: c.2348G>A on transcript NM_138576.4 (MANE Select); coding-DNA position 2348, G replaced by A.
Protein change: p.Gly783Asp; replaces glycine 783 with aspartic acid.
Molecular consequence: missense variant.
Genome position (GRCh38, 1-based): chr14:99,174,488, C>T on the plus strand (G>A on the coding strand, the complement: BCL11B is on the minus strand). VCF-style: chr14-99174488-C-T. GRCh37 (hg19) VCF-style: chr14-99640825-C-T.
Other names: c.2345G>A, p.Gly782Asp (NM_001282237.2); c.2132G>A, p.Gly711Asp (NM_001282238.2); c.2135G>A, p.Gly712Asp (NM_022898.3); short protein forms G711D, G712D, G782D, G783D.
Identifiers: ClinVar variation 4812287 (VCV004812287.1).